The following is an entry in ClinVar:

ClinVar aggregate classification (germline): Conflicting classifications of pathogenicity. Review status: criteria provided, conflicting classifications (1 of 4 stars). 2 submissions from 2 submitters: Uncertain significance (1); Likely benign (1). Last evaluated 2025-04-02.

Conditions:
Inborn genetic diseases. Identifiers: MedGen C0950123, MeSH D030342.

Allele frequency attached by ClinVar (database versions not stated): gnomAD 0.00015; ExAC 0.00032; ESP Exome Variant Server 0.00008; gnomAD exomes 0.00024; TOPMed 0.00010.
gnomAD v4.1: 365 of 1,603,758 alleles (0.023%); highest among the groups gnomAD compares: Non-Finnish European, 0.029%; no homozygotes.

Submissions (2):

Ambry Genetics
Classification: Likely benign for Inborn genetic diseases. Last evaluated: 2025-04-02. Review status: criteria provided, single submitter. Criteria: Ambry Variant Classification Scheme 2023. Collection method: clinical testing. Allele origin: germline.

Labcorp Genetics (formerly Invitae), Labcorp
Classification: Uncertain significance. Last evaluated: 2022-08-23. Review status: criteria provided, single submitter. Criteria: Invitae Variant Classification Sherloc (09022015). Collection method: clinical testing. Allele origin: germline.
Comment: In summary, the available evidence is currently insufficient to determine the role of this variant in disease. Therefore, it has been classified as a Variant of Uncertain Significance. This variant has not been reported in the literature in individuals affected with RTTN-related conditions. Algorithms developed to predict the effect of missense changes on protein structure and function are either unavailable or do not agree on the potential impact of this missense change (SIFT: "Tolerated"; PolyPhen-2: "Probably Damaging"; Align-GVGD: "Class C0"). This variant is present in population databases (rs373061765, gnomAD 0.04%). This sequence change replaces cysteine, which is neutral and slightly polar, with arginine, which is basic and polar, at codon 894 of the RTTN protein (p.Cys894Arg).

NM_173630.4(RTTN):c.2680T>C (p.Cys894Arg)

Gene: RTTN (rotatin; minus strand). Cytogenetic location: 18q22.2.
Variant type: single nucleotide variant.
Coding change: c.2680T>C on transcript NM_173630.4 (MANE Select); coding-DNA position 2680, T replaced by C.
Protein change: p.Cys894Arg; replaces cysteine 894 with arginine.
Molecular consequence: missense variant. On other transcripts: 5 prime UTR variant (1).
Genome position (GRCh38, 1-based): chr18:70,139,707, A>G on the plus strand (T>C on the coding strand, the complement: RTTN is on the minus strand). VCF-style: chr18-70139707-A-G. GRCh37 (hg19) VCF-style: chr18-67806943-A-G.
Other names: c.-57T>C (NM_001318520.2); c.2680T>C (NM_173630.3); short protein forms C894R.
Identifiers: ClinVar variation 2075052 (VCV002075052.3), dbSNP rs373061765, ClinGen allele CA8995793.